The following is an entry in ClinVar:

ClinVar aggregate classification (germline): Likely benign. Review status: criteria provided, multiple submitters, no conflicts (2 of 4 stars). 2 submissions from 2 submitters: Likely benign (2). Last evaluated 2025-01-14.

Conditions:
Fructose-biphosphatase deficiency (FBP1D). Also called: Fructose 1,6 Bisphosphatase Deficiency; Fructose-1,6-Bisphosphatase 1 Deficiency; Fructose-1,6-Diphosphatase Deficiency. Identifiers: Orphanet 348, MedGen C0016756, MONDO:0009251, OMIM 229700.

Allele frequency attached by ClinVar (database versions not stated): gnomAD 0.00001; gnomAD exomes below 0.00001; TOPMed 0.00001.
gnomAD v4.1: 6 of 1,613,648 alleles (0.00037%); highest among the groups gnomAD compares: Non-Finnish European, 0.00051%; no homozygotes.

Submissions (2):

Mayo Clinic Laboratories, Mayo Clinic
Classification: Likely benign. Last evaluated: 2025-01-14. Review status: criteria provided, single submitter. Criteria: ACMG Guidelines, 2015. Collection method: clinical testing. Allele origin: germline. Observed: 1 variant allele.
Comment: BP4, BP7

Labcorp Genetics (formerly Invitae), Labcorp
Classification: Likely benign for Fructose-biphosphatase deficiency. Last evaluated: 2023-06-28. Review status: criteria provided, single submitter. Criteria: Invitae Variant Classification Sherloc (09022015). Collection method: clinical testing. Allele origin: germline.

NM_000507.4(FBP1):c.706-4G>A

Gene: FBP1 (fructose-bisphosphatase 1; minus strand). Cytogenetic location: 9q22.32.
Variant type: single nucleotide variant.
Coding change: c.706-4G>A on transcript NM_000507.4 (MANE Select); 4 bases into the intron before coding-DNA position 706, G replaced by A.
Molecular consequence: intron variant.
Genome position (GRCh38, 1-based): chr9:94,605,580, C>T on the plus strand (G>A on the coding strand, the complement: FBP1 is on the minus strand). VCF-style: chr9-94605580-C-T. GRCh37 (hg19) VCF-style: chr9-97367862-C-T.
Other names: p.?; c.706-4G>A (NM_001127628.2).
Identifiers: ClinVar variation 2719724 (VCV002719724.4), dbSNP rs1398138498, ClinGen allele CA589254552.